The following is an entry in ClinVar:

ClinVar aggregate classification (germline): Conflicting classifications of pathogenicity. Review status: criteria provided, conflicting classifications (1 of 4 stars). 12 submissions from 12 submitters: Pathogenic (7); Likely pathogenic (2); Uncertain significance (1). 2 of the submissions do not count toward it. Last evaluated 2026-08-27.

Conditions:
NEB-related disorder. Also called: NEB-Related Disorders; NEB-related condition.
Arthrogryposis multiplex congenita 6. Identifiers: MedGen C5543431, MONDO:0030281, OMIM 619334.
Nemaline myopathy 2 (NEM2). Also called: Nemaline myopathy 2, autosomal recessive. Identifiers: MedGen C1850569, MONDO:0009725, OMIM 256030.
Nemaline myopathy. Also called: Myopathies, Nemaline. Identifiers: Orphanet 607, MedGen C0206157, MONDO:0018958.

Submissions (12):

PreventionGenetics, part of Exact Sciences
Classification: Pathogenic for NEB-related condition. Last evaluated: 2026-08-27. Review status: criteria provided, single submitter. Criteria: ACMG Guidelines, 2015. Collection method: clinical testing. Allele origin: germline.
Comment: The NEB c.24072_24075delACCT variant is predicted to result in a frameshift and premature protein termination (p.Pro8025Serfs*154). This variant has been reported with a second pathogenic NEB variant in an individual with nemaline myopathy (Table S2. Reported as c.23967_23970delACCT;p.Pro7990SerfsTer154 (NM_001164508.2), Summa et al. 2023. PubMed ID: 36697461). This variant is reported in 0.024% of alleles in individuals of African descent in gnomAD. Frameshift variants in NEB are expected to be pathogenic. This variant is interpreted as pathogenic.

Myriad Genetics, Inc.
Classification: Pathogenic for Nemaline myopathy 2. Last evaluated: 2026-01-30. Review status: criteria provided, single submitter. Criteria: Myriad Autosomal Dominant, Autosomal Recessive and X-Linked Classification Criteria (2023). Collection method: clinical testing. Allele origin: unknown.
Comment: NM_001271208.1(NEB):c.24072_24075delACCT(P8025Sfs*154) is a frameshift variant classified as pathogenic in the context of NEB-related nemaline myopathy. P8025Sfs*154 has been observed in a case with relevant disease (PMID: 36697461). Relevant functional assessments of this variant are not available in the literature. P8025Sfs*154 has been observed in referenced population frequency databases. In summary, NM_001271208.1(NEB):c.24072_24075delACCT(P8025Sfs*154) is a frameshift variant that has been observed more frequently in cases with the relevant disease than in healthy populations. Please note: this variant was assessed in the context of healthy population screening.

Labcorp Genetics (formerly Invitae), Labcorp
Classification: Pathogenic for Nemaline myopathy 2. Last evaluated: 2025-12-22. Review status: criteria provided, single submitter. Criteria: Invitae Variant Classification Sherloc (09022015). Collection method: clinical testing. Allele origin: germline.
Comment: This sequence change creates a premature translational stop signal (p.Pro8025Serfs*154) in the NEB gene. It is expected to result in an absent or disrupted protein product. Loss-of-function variants in NEB are known to be pathogenic (PMID: 25205138). This variant is present in population databases (rs756384471, gnomAD 0.02%). This variant has not been reported in the literature in individuals affected with NEB-related conditions. ClinVar contains an entry for this variant (Variation ID: 465574). For these reasons, this variant has been classified as Pathogenic.

Natera, Inc.
Classification: Pathogenic for Nemaline myopathy type 2. Last evaluated: 2025-08-20. Review status: criteria provided, single submitter. Criteria: Natera Variant Classification Schema (03/2026). Collection method: clinical testing. Allele origin: germline.
Comment: The c.24072_24075delACCT variant in NEB is a frameshift variant predicted to shift the reading frame beginning at codon 8025 and leads to a stop codon 154 codons downstream. This variant is expected to result in nonsense mediated decay, truncation, or a dysfunctional protein product. This variant is rare in the general population with a frequency below the threshold expected for the associated phenotype(s). This variant has been observed in one or more individuals affected with the associated recessive disease, as either homozygous or compound heterozygous with a second variant (PMID: 36697461). Given the available evidence, this variant is classified as Pathogenic.

Broad Center for Mendelian Genomics, Broad Institute of MIT and Harvard
Classification: Uncertain significance for Nemaline myopathy. Last evaluated: 2025-02-26. Review status: criteria provided, single submitter. Criteria: ACMG Guidelines, 2015. Collection method: curation. Allele origin: germline. Inheritance: Autosomal recessive inheritance.
Comment: The p.Pro7990SerfsTer154 variant in NEB has not been previously reported in the literature in individuals with nemaline myopathy, but has been identified in 0.02% (15/72756) of African/African American chromosomes by the Genome Aggregation Database (gnomAD; dbSNP ID: rs756384471). Although this variant has been seen in the general population in a heterozygous state, its frequency is not high enough to rule out a pathogenic role. This variant has also been reported in ClinVar (Variation ID: 465574) and has been interpreted as pathogenic by Invitae and the Center of Excellence for Medical Genomics (Chulalongkorn University), and as a variant of uncertain significance by Counsyl. This variant is predicted to cause a frameshift, which alters the protein‚Äôs amino acid sequence beginning at position 7990 and leads to a premature termination codon 154 amino acids downstream. This alteration is then predicted to lead to a truncated or absent protein. Loss of function of the NEB gene is an established disease mechanism in autosomal recessive nemaline myopathy. In summary, while there is some suspicion for a pathogenic role, the clinical significance of this variant is uncertain. ACMG/AMP Criteria applied: PVS1 (Richards 2015).

GeneDx
Classification: Pathogenic. Last evaluated: 2025-02-06. Review status: criteria provided, single submitter. Criteria: GeneDx Variant Classification Process June 2021. Collection method: clinical testing. Allele origin: germline. Affected: yes.
Comment: Frameshift variant predicted to result in protein truncation or nonsense mediated decay in a gene for which loss of function is a known mechanism of disease; This variant is associated with the following publications: (PMID: 32721234, 36697461, 25205138, 38167091)

Women's Health and Genetics/Laboratory Corporation of America, LabCorp
Classification: Pathogenic for Nemaline myopathy. Last evaluated: 2024-10-14. Review status: criteria provided, single submitter. Criteria: LabCorp Variant Classification Summary - May 2015. Collection method: clinical testing. Allele origin: germline.
Comment: Variant summary: NEB c.24072_24075delACCT (p.Pro8025SerfsX154) results in a premature termination codon, predicted to cause a truncation of the encoded protein or absence of the protein due to nonsense mediated decay, which are commonly known mechanisms for disease. The variant allele was found at a frequency of 6.5e-06 in 154190 control chromosomes. c.24072_24075delACCT has been reported in the literature in individual(s) affected with congenital myopathies (example: Summa_2023). To our knowledge, no experimental evidence demonstrating an impact on protein function has been reported. The following publication have been ascertained in the context of this evaluation (PMID: 36697461). ClinVar contains an entry for this variant (Variation ID: 465574). Based on the evidence outlined above, the variant was classified as pathogenic.

Fulgent Genetics
Classification: Pathogenic for Nemaline myopathy 2; Arthrogryposis multiplex congenita 6. Last evaluated: 2024-06-10. Review status: criteria provided, single submitter. Criteria: ACMG Guidelines, 2015. Collection method: clinical testing. Allele origin: germline.

Baylor Genetics
Classification: Likely pathogenic for Arthrogryposis multiplex congenita 6. Last evaluated: 2024-03-26. Review status: criteria provided, single submitter. Criteria: ACMG Guidelines, 2015. Collection method: clinical testing. Allele origin: unknown.

Revvity Omics, Revvity
Classification: Likely pathogenic. Last evaluated: 2023-05-24. Review status: criteria provided, single submitter. Criteria: ACMG Guidelines, 2015. Collection method: clinical testing. Allele origin: germline.

Center of Excellence for Medical Genomics, Chulalongkorn University
Classification: Pathogenic for Nemaline myopathy 2. Last evaluated: 2022-09-08. Review status: no assertion criteria provided. Criteria: ACMG Guidelines, 2015. Collection method: research. Allele origin: maternal. Affected: yes. Not counted in ClinVar's aggregate classification.

Counsyl
Classification: Uncertain significance for Nemaline myopathy 2. Last evaluated: 2018-04-18. Review status: no assertion criteria provided. Collection method: clinical testing. Allele origin: unknown. Not counted in ClinVar's aggregate classification.

Literature cited by the submitters: PubMed 36697461 (cited by 3 submitters); PubMed 25205138 (cited by Labcorp Genetics (formerly Invitae), Labcorp).

NM_001164508.2(NEB):c.23967_23970del (p.Pro7990fs)

Genes: RIF1 (replication timing regulatory factor 1; plus strand), NEB (nebulin; minus strand). Cytogenetic location: 2q23.3.
Variant type: Deletion.
Coding change: c.23967_23970del on transcript NM_001164508.2 (MANE Select); coding-DNA positions 23967 to 23970, 4 bases deleted (ACCT; older notation c.23967_23970delACCT).
Protein change: p.Pro7990fs; shifts the reading frame from proline 7990.
Molecular consequence: frameshift variant. On other transcripts: intron variant (1).
Genome position (GRCh38, 1-based): chr2:151,501,442-151,501,445, AGGT deleted on the plus strand (ACCT on the coding strand, the reverse complement: NEB is on the minus strand); deleting any 4 consecutive bases within chr2:151,501,442-151,501,448 gives the same sequence; the c. name uses the placement nearest the transcript's 3' end. VCF-style (leftmost placement, unchanged base first): chr2-151501441-CAGGT-C. GRCh37 (hg19) VCF-style: chr2-152357955-CAGGT-C.
Other names: NM_001164508.2(NEB):c.23967_23970del; p.Pro7990fs; c.24072_24075delACCT (NM_001271208.2); c.23967_23970del, p.Pro7990fs (NM_001164507.2); c.24072_24075del, p.Pro8025fs (NM_001271208.2); c.18825+1348_18825+1351del (NM_004543.5); short protein forms P7990fs, P8025fs.
Identifiers: ClinVar variation 465574 (VCV000465574.30), dbSNP rs756384471, ClinGen allele CA1906174.